The following is an entry in ClinVar:

ClinVar aggregate classification (germline): Likely benign (1 of 4 stars; one submission).

gnomAD v4.1: 1 of 151,868 alleles (0.00066%); highest among the groups gnomAD compares: African/African-American, 0.0024%; no homozygotes.

Submission:

CeGaT Center for Human Genetics Tuebingen
Classification: Likely benign. Last evaluated: 2025-08-01. Review status: criteria provided, single submitter. Criteria: CeGaT Center For Human Genetics Tuebingen Variant Classification Criteria Version 2. Collection method: clinical testing. Allele origin: germline. Affected: yes. Observed: 1 variant allele.
Comment: GNAS: BP4, BP7

NM_080425.4(GNAS):c.2069-5453G>A

Gene: GNAS (GNAS complex locus; plus strand). Cytogenetic location: 20q13.32.
Variant type: single nucleotide variant.
Coding change: c.2069-5453G>A on transcript NM_080425.4 (MANE Plus Clinical); 5453 bases into the intron before coding-DNA position 2069, G replaced by A.
Molecular consequence: intron variant.
Genome position (GRCh38, 1-based): chr20:58,890,159, G>A. VCF-style: chr20-58890159-G-A. GRCh37 (hg19) VCF-style: chr20-57465214-G-A.
Other names: c.*43-5453G>A (NM_016592.5); c.44-5453G>A (NM_001410912.1); c.-38-5453G>A (NM_001309861.2); c.*1-5453G>A (NM_001077490.3); c.2069-5453G>A (NM_001410913.1); c.*159-5453G>A (NM_001309883.1); c.-39+806G>A (NM_001438273.1, NM_001309840.2); c.-39+827G>A (NM_001439291.1, NM_001438274.1).
Identifiers: ClinVar variation 4083856 (VCV004083856.8).